The following is an entry in ClinVar:

NM_001042681.2(RERE):c.3900_3914del (p.Leu1304_Glu1308del)

Gene: RERE (arginine-glutamic acid dipeptide repeats; minus strand). Cytogenetic location: 1p36.23.
Variant type: Deletion.
Coding change: c.3900_3914del on transcript NM_001042681.2 (MANE Select); coding-DNA positions 3900 to 3914, 15 bases deleted (CGAGCGGGAGCTCCG).
Protein change: p.Leu1304_Glu1308del.
Molecular consequence: inframe deletion.
Genome position (GRCh38, 1-based): chr1:8,358,621-8,358,635, CGGAGCTCCCGCTCG deleted on the plus strand (CGAGCGGGAGCTCCG on the coding strand, the reverse complement: RERE is on the minus strand); deleting any 15 consecutive bases within chr1:8,358,621-8,358,639 gives the same sequence; the c. name uses the placement nearest the transcript's 3' end. VCF-style (leftmost placement, unchanged base first): chr1-8358620-CCGGAGCTCCCGCTCG-C. GRCh37 (hg19) VCF-style: chr1-8418680-CCGGAGCTCCCGCTCG-C.
Other names: c.2238_2252del, p.Leu750_Glu754del (NM_001042682.2); c.3900_3914del, p.Leu1304_Glu1308del (NM_012102.4).
Identifiers: ClinVar variation 1298403 (VCV001298403.39), dbSNP rs779300628, ClinGen allele CA570955.

ClinVar aggregate classification (germline): Conflicting classifications of pathogenicity. Review status: criteria provided, conflicting classifications (1 of 4 stars). 2 submissions from 2 submitters: Uncertain significance (1); Likely benign (1). Last evaluated 2025-10-01.

Submissions (2):

Labcorp Genetics (formerly Invitae), Labcorp
Classification: Uncertain significance. Last evaluated: 2025-10-01. Review status: criteria provided, single submitter. Criteria: Invitae Variant Classification Sherloc (09022015). Collection method: clinical testing. Allele origin: germline.
Comment: This variant, c.3900_3914del, results in the deletion of 5 amino acid(s) of the RERE protein (p.Leu1304_Glu1308del), but otherwise preserves the integrity of the reading frame. This variant is present in population databases (rs779300628, gnomAD 0.05%), and has an allele count higher than expected for a pathogenic variant. This variant has not been reported in the literature in individuals affected with RERE-related conditions. ClinVar contains an entry for this variant (Variation ID: 1298403). Experimental studies and prediction algorithms are not available or were not evaluated, and the functional significance of this variant is currently unknown. In summary, the available evidence is currently insufficient to determine the role of this variant in disease. Therefore, it has been classified as a Variant of Uncertain Significance.

CeGaT Center for Human Genetics Tuebingen
Classification: Likely benign. Last evaluated: 2021-09-01. Review status: criteria provided, single submitter. Criteria: CeGaT Center For Human Genetics Tuebingen Variant Classification Criteria Version 2. Collection method: clinical testing. Allele origin: germline. Affected: yes. Observed: 1 variant allele.